The following is an entry in ClinVar:

ClinVar aggregate classification (germline): Uncertain significance (1 of 4 stars; one submission).

Conditions:
Hereditary diffuse gastric adenocarcinoma (HDGC). Also called: DIFFUSE GASTRIC AND LOBULAR BREAST CANCER SYNDROME. Identifiers: Orphanet 26106, MedGen C1708349, MONDO:0007648, OMIM 137215.

Submission:

Labcorp Genetics (formerly Invitae), Labcorp
Classification: Uncertain significance for Hereditary diffuse gastric adenocarcinoma. Last evaluated: 2023-10-13. Review status: criteria provided, single submitter. Criteria: Invitae Variant Classification Sherloc (09022015). Collection method: clinical testing. Allele origin: germline.
Comment: This sequence change replaces isoleucine, which is neutral and non-polar, with valine, which is neutral and non-polar, at codon 505 of the CDH1 protein (p.Ile505Val). This variant is not present in population databases (gnomAD no frequency). This variant has not been reported in the literature in individuals affected with CDH1-related conditions. An algorithm developed to predict the effect of missense changes on protein structure and function (PolyPhen-2) suggests that this variant is likely to be tolerated. In summary, the available evidence is currently insufficient to determine the role of this variant in disease. Therefore, it has been classified as a Variant of Uncertain Significance.

NM_004360.5(CDH1):c.1513A>G (p.Ile505Val)

Gene: CDH1 (cadherin 1; plus strand). Cytogenetic location: 16q22.1.
Variant type: single nucleotide variant.
Coding change: c.1513A>G on transcript NM_004360.5 (MANE Select); coding-DNA position 1513, A replaced by G.
Protein change: p.Ile505Val; replaces isoleucine 505 with valine.
Molecular consequence: missense variant. On other transcripts: 5 prime UTR variant (2).
Genome position (GRCh38, 1-based): chr16:68,815,707, A>G. VCF-style: chr16-68815707-A-G. GRCh37 (hg19) VCF-style: chr16-68849610-A-G.
Other names: c.1330A>G, p.Ile444Val (NM_001317184.2); c.-36A>G (NM_001317185.2); c.-307A>G (NM_001317186.2); short protein forms I444V, I505V.
Identifiers: ClinVar variation 2997476 (VCV002997476.3), dbSNP rs2152135066, ClinGen allele CA396463341.